The following is an entry in ClinVar:

NM_000520.6(HEXA):c.1435G>A (p.Ala479Thr)

Gene: HEXA (hexosaminidase subunit alpha; minus strand). Cytogenetic location: 15q23.
Variant type: single nucleotide variant.
Coding change: c.1435G>A on transcript NM_000520.6 (MANE Select); coding-DNA position 1435, G replaced by A.
Protein change: p.Ala479Thr; replaces alanine 479 with threonine.
Molecular consequence: missense variant. On other transcripts: non-coding transcript variant (1).
Genome position (GRCh38, 1-based): chr15:72,345,537, C>T on the plus strand (G>A on the coding strand, the complement: HEXA is on the minus strand). VCF-style: chr15-72345537-C-T. GRCh37 (hg19) VCF-style: chr15-72637878-C-T.
Other names: p.Ala479Thr; c.1468G>A, p.Ala490Thr (NM_001318825.2); c.1435G>A (NM_000520.5); short protein forms A479T, A490T.
Identifiers: ClinVar variation 287080 (VCV000287080.66), dbSNP rs145012038, ClinGen allele CA7644676.
Genomic context (GRCh38, chr15:72,345,537, plus strand): 5'-GTTCATAGGCAAATGTCAGGTCAGATGTCAACTTGTTGCTCCACAGCCTTTCGGCAACAG[C>T]CCCTGCTCTGGGCCTGGAGGAAAAGGGGCATGTGCCAGATTGGGCCCTGTATTCCCTGCA-3'
Protein context (NP_000511.2, residues 469-489): LVPRLWPRAG[Ala479Thr]VAERLWSNKL

ClinVar aggregate classification (germline): Benign/Likely benign. Review status: criteria provided, multiple submitters, no conflicts (2 of 4 stars). 10 submissions from 10 submitters: Benign (4); Likely benign (4). 2 of the submissions do not count toward it. Last evaluated 2026-02-03.

Conditions:
Tay-Sachs disease (TSD). Also called: GM2 gangliosidosis, type 1; Hexosaminidase alpha-subunit deficiency (variant B); Sphingolipidosis, Tay-Sachs; HEXA Disorders; HEXA DEFICIENCY; Hexosaminidase A Deficiency. Identifiers: Orphanet 845, MedGen C0039373, MONDO:0010100, OMIM 272800.

Allele frequency attached by ClinVar (database versions not stated): gnomAD exomes 0.00034 and 0.00089; gnomAD 0.00038 and 0.00052; ESP Exome Variant Server 0.00046; TOPMed 0.00070; ExAC 0.00090; 1000 Genomes Project 30x 0.00234; 1000 Genomes Project 0.00280.
gnomAD v4.1: 672 of 1,614,226 alleles (0.042%); highest among the groups gnomAD compares: East Asian, 0.75%; 6 homozygotes.

Submissions (10):

Labcorp Genetics (formerly Invitae), Labcorp
Classification: Benign for Tay-Sachs disease. Last evaluated: 2026-02-03. Review status: criteria provided, single submitter. Criteria: Invitae Variant Classification Sherloc (09022015). Collection method: clinical testing. Allele origin: germline.

Mayo Clinic Laboratories, Mayo Clinic
Classification: Likely benign. Last evaluated: 2025-07-29. Review status: criteria provided, single submitter. Criteria: ACMG Guidelines, 2015. Collection method: clinical testing. Allele origin: germline. Observed: 2 variant alleles.
Comment: BS1, BS3, PP3_moderate

CeGaT Center for Human Genetics Tuebingen
Classification: Likely benign. Last evaluated: 2025-05-01. Review status: criteria provided, single submitter. Criteria: CeGaT Center For Human Genetics Tuebingen Variant Classification Criteria Version 2. Collection method: clinical testing. Allele origin: germline. Affected: yes. Observed: 4 variant alleles.
Comment: HEXA: BS2

Blueprint Genetics
Classification: Likely benign. Last evaluated: 2024-10-31. Review status: criteria provided, single submitter. Criteria: ACMG Guidelines, 2015. Collection method: clinical testing. Allele origin: germline.

Women's Health and Genetics/Laboratory Corporation of America, LabCorp
Classification: Benign. Last evaluated: 2022-06-29. Review status: criteria provided, single submitter. Criteria: LabCorp Variant Classification Summary - May 2015. Collection method: clinical testing. Allele origin: germline.
Comment: Variant summary: HEXA c.1435G>A (p.Ala479Thr) results in a non-conservative amino acid change located in the Glycoside hydrolase family 20, catalytic domain of the encoded protein sequence. Five of five in-silico tools predict a damaging effect of the variant on protein function. The variant allele was found at a frequency of 0.00082 in 277154 control chromosomes, predominantly at a frequency of 0.0084 within the East Asian subpopulation in the gnomAD database, including 1 homozygotes. The observed variant frequency within East Asian control individuals in the gnomAD database is approximately 6 fold of the estimated maximal expected allele frequency for a pathogenic variant in HEXA causing Tay-Sachs Disease phenotype (0.0014), strongly suggesting that the variant is a benign polymorphism found primarily in populations of East Asian origin. c.1435G>A has been reported in the literature, without strong evidence for causality (Strom_2013). Eight clinical diagnostic laboratories have submitted clinical-significance assessments for this variant to ClinVar after 2014 and classified variant as VUS (n=1), likely benign (n=3), and benign (n=4). One of these labs also published an abstract in which they tested 4-5 patient samples for the variant of interest and found HexA enzyme analysis to show negative Tay-Sachs carrier state for all subjects (Counsyl abstract from Molecular Genetics and Metabolism, 2018). Based on the evidence outlined above, the variant was classified as benign.

Genome-Nilou Lab
Classification: Likely benign for Tay-Sachs disease. Last evaluated: 2021-05-18. Review status: criteria provided, single submitter. Criteria: ACMG Guidelines, 2015. Collection method: clinical testing. Allele origin: germline. Affected: no.

GeneDx
Classification: Benign. Last evaluated: 2021-04-12. Review status: criteria provided, single submitter. Criteria: GeneDx Variant Classification Process June 2021. Collection method: clinical testing. Allele origin: germline. Affected: yes.
Comment: This variant is associated with the following publications: (PMID: 31293106)

Eurofins Ntd Llc (ga)
Classification: Benign. Last evaluated: 2016-04-15. Review status: criteria provided, single submitter. Criteria: EGL Classification Definitions 2015. Collection method: clinical testing. Allele origin: germline. Observed: 1 variant allele, 1 heterozygote.

Natera, Inc.
Classification: Likely benign for Tay-Sachs disease. Last evaluated: 2018-03-22. Review status: no assertion criteria provided. Collection method: clinical testing. Allele origin: germline. Not counted in ClinVar's aggregate classification.

Counsyl
Classification: Likely benign for Tay-Sachs disease. Last evaluated: 2017-08-31. Review status: no assertion criteria provided. Collection method: clinical testing. Allele origin: unknown. Inheritance: Autosomal recessive inheritance. Not counted in ClinVar's aggregate classification.

Literature cited by the submitters: PubMed 31293106 (cited by Mayo Clinic Laboratories, Mayo Clinic and Women's Health and Genetics/Laboratory Corporation of America, LabCorp); PubMed 31367523 (cited by Mayo Clinic Laboratories, Mayo Clinic).